The following is an entry in ClinVar:

NM_000359.3(TGM1):c.645del (p.Ile216fs)

Gene: TGM1 (transglutaminase 1; minus strand). Cytogenetic location: 14q12.
Variant type: Deletion.
Coding change: c.645del on transcript NM_000359.3 (MANE Select); coding-DNA position 645, one base deleted (C; older notation c.645delC).
Protein change: p.Ile216fs; shifts the reading frame from isoleucine 216.
Molecular consequence: frameshift variant.
Genome position (GRCh38, 1-based): chr14:24,260,562, G deleted on the plus strand (C on the coding strand, the reverse complement: TGM1 is on the minus strand); the first of 2 consecutive G bases (chr14:24,260,562-24,260,563); deleting either gives the same sequence. VCF-style (leftmost placement, unchanged base first): chr14-24260561-TG-T. GRCh37 (hg19) VCF-style: chr14-24729767-TG-T.
Other names: short protein forms I216fs.
Identifiers: ClinVar variation 1724696 (VCV001724696.2), dbSNP rs2502505774, ClinGen allele CA2580087984.

ClinVar aggregate classification (germline): Likely pathogenic (1 of 4 stars; one submission).

Conditions:
Autosomal recessive congenital ichthyosis 1 (LI1). Also called: DESQUAMATION OF NEWBORN; ICHTHYOSIS CONGENITA; ICHTHYOSIS CONGENITA II; LAMELLAR EXFOLIATION OF NEWBORN; ICHTHYOSIS, CONGENITAL, AUTOSOMAL RECESSIVE 1, WITH BATHING SUIT DISTRIBUTION; ICHTHYOSIS, CONGENITAL, AUTOSOMAL RECESSIVE 1, WITH OR WITHOUT BATHING SUIT DISTRIBUTION. Identifiers: MedGen C4551630, MONDO:0009441, OMIM 242300.

Submission:

Myriad Genetics, Inc.
Classification: Likely pathogenic for Autosomal recessive congenital ichthyosis 1. Last evaluated: 2022-02-25. Review status: criteria provided, single submitter. Criteria: Myriad Women's Health Autosomal Recessive and X-Linked Classification Criteria (2021). Collection method: clinical testing. Allele origin: unknown.
Comment: NM_000359.2(TGM1):c.645delC(I216Sfs*114) is expected to be pathogenic in the context of TGM1-related autosomal recessive congenital ichthyosis. This variant is predicted to lead to an abnormal or absent protein product due to the creation of a premature termination codon in TGM1, a gene where loss-of-function variants are known to be pathogenic. Please note: this variant was assessed in the context of healthy population screening.